The following is an entry in ClinVar:

NM_024408.4(NOTCH2):c.4457C>T (p.Thr1486Met)

Gene: NOTCH2 (notch receptor 2; minus strand). Cytogenetic location: 1p12.
Variant type: single nucleotide variant.
Coding change: c.4457C>T on transcript NM_024408.4 (MANE Select); coding-DNA position 4457, C replaced by T.
Protein change: p.Thr1486Met; replaces threonine 1486 with methionine.
Molecular consequence: missense variant.
Genome position (GRCh38, 1-based): chr1:119,925,359, G>A on the plus strand (C>T on the coding strand, the complement: NOTCH2 is on the minus strand). VCF-style: chr1-119925359-G-A. GRCh37 (hg19) VCF-style: chr1-120467982-G-A.
Other names: short protein forms T1486M.
Identifiers: ClinVar variation 1312756 (VCV001312756.5), dbSNP rs762374093, ClinGen allele CA1039861.
Genomic context (GRCh38, chr1:119,925,359, plus strand): 5'-CCTTACTTGCATGTCTTGCTGTTCCCCTGGCATTCAAAGTTGTCAAACAGGCACTCGACC[G>A]TGTTGCACAGCTCATCACACTGGTTGTTGATATAATCCCAGCAGGGAAGTGGGGAGGAGC-3'
Protein context (NP_077719.2, residues 1476-1496): INNQCDELCN[Thr1486Met]VECLFDNFEC

ClinVar aggregate classification (germline): Uncertain significance. Review status: criteria provided, multiple submitters, no conflicts (2 of 4 stars). 3 submissions from 3 submitters: Uncertain significance (3). Last evaluated 2024-02-06.

Conditions:
Alagille syndrome due to a NOTCH2 point mutation. Also called: Alagille syndrome 2. Identifiers: Orphanet 261629, Orphanet 52, MedGen C1857761, MONDO:0012439, OMIM 610205.
Hajdu-Cheney syndrome (HJCYS). Also called: ACROOSTEOLYSIS WITH OSTEOPOROSIS AND CHANGES IN SKULL AND MANDIBLE; Acroosteolysis dominant type; SERPENTINE FIBULA-POLYCYSTIC KIDNEY SYNDROME. Identifiers: Orphanet 955, MedGen C0917715, MONDO:0007057, OMIM 102500.

Allele frequency attached by ClinVar (database versions not stated): gnomAD exomes 0.00001; TOPMed 0.00001; ExAC 0.00003.
gnomAD v4.1: 13 of 1,614,180 alleles (0.00081%); highest among the groups gnomAD compares: East Asian, 0.0067%; no homozygotes.

Submissions (3):

Fulgent Genetics
Classification: Uncertain significance for Hajdu-Cheney syndrome; Alagille syndrome due to a NOTCH2 point mutation. Last evaluated: 2024-02-06. Review status: criteria provided, single submitter. Criteria: ACMG Guidelines, 2015. Collection method: clinical testing. Allele origin: germline.

GeneDx
Classification: Uncertain significance. Last evaluated: 2020-07-06. Review status: criteria provided, single submitter. Criteria: GeneDx Variant Classification Process June 2021. Collection method: clinical testing. Allele origin: germline. Affected: yes.
Comment: In silico analysis supports that this missense variant has a deleterious effect on protein structure/function; Has not been previously published as pathogenic or benign to our knowledge

Juno Genomics, Hangzhou Juno Genomics, Inc
Classification: Uncertain significance for Alagille syndrome due to a NOTCH2 point mutation; Hajdu-Cheney syndrome. Review status: criteria provided, single submitter. Criteria: ACMG Guidelines, 2015. Collection method: clinical testing. Allele origin: germline.
Comment: Absent from controls (or at extremely low frequency if recessive) in Genome Aggregation Database.;Multiple lines of computational evidence support a deleterious effect on the gene or gene product.;Missense variant in a gene that has a low rate of benign missense variation.